The following is an entry in ClinVar:

ClinVar aggregate classification (germline): Uncertain significance (1 of 4 stars; one submission).

Conditions:
Spastic paraplegia. Identifiers: MedGen C0037772, HP:0001258.

Allele frequency attached by ClinVar (database versions not stated): gnomAD exomes below 0.00001; TOPMed below 0.00001; gnomAD 0.00001.
gnomAD v4.1: 5 of 1,612,444 alleles (0.00031%); highest among the groups gnomAD compares: South Asian, 0.0011%; no homozygotes.

Submission:

Labcorp Genetics (formerly Invitae), Labcorp
Classification: Uncertain significance for Spastic paraplegia. Last evaluated: 2021-09-01. Review status: criteria provided, single submitter. Criteria: Invitae Variant Classification Sherloc (09022015). Collection method: clinical testing. Allele origin: germline.
Comment: This sequence change replaces serine with glycine at codon 1947 of the ZFYVE26 protein (p.Ser1947Gly). The serine residue is moderately conserved and there is a small physicochemical difference between serine and glycine. This variant is not present in population databases (ExAC no frequency). This variant has not been reported in the literature in individuals affected with ZFYVE26-related conditions. Algorithms developed to predict the effect of missense changes on protein structure and function (SIFT, PolyPhen-2, Align-GVGD) all suggest that this variant is likely to be tolerated. In summary, the available evidence is currently insufficient to determine the role of this variant in disease. Therefore, it has been classified as a Variant of Uncertain Significance.

NM_015346.4(ZFYVE26):c.5839A>G (p.Ser1947Gly)

Gene: ZFYVE26 (zinc finger FYVE-type containing 26; minus strand). Cytogenetic location: 14q24.1.
Variant type: single nucleotide variant.
Coding change: c.5839A>G on transcript NM_015346.4 (MANE Select); coding-DNA position 5839, A replaced by G.
Protein change: p.Ser1947Gly; replaces serine 1947 with glycine.
Molecular consequence: missense variant.
Genome position (GRCh38, 1-based): chr14:67,766,399, T>C on the plus strand (A>G on the coding strand, the complement: ZFYVE26 is on the minus strand). VCF-style: chr14-67766399-T-C. GRCh37 (hg19) VCF-style: chr14-68233116-T-C.
Other names: short protein forms S1947G.
Identifiers: ClinVar variation 2172645 (VCV002172645.1), dbSNP rs1334590681, ClinGen allele CA390165937.